The following is an entry in ClinVar:

ClinVar aggregate classification (germline): Benign. Review status: criteria provided, multiple submitters, no conflicts (2 of 4 stars). 2 submissions from 2 submitters: Benign (2). Last evaluated 2018-01-13.

Conditions:
Alpha-1-antitrypsin deficiency (A1ATD). Also called: Alpha1-Antitrypsin Deficiency; AAT deficiency; A1AT deficiency. Identifiers: Orphanet 60, MedGen C0221757, MONDO:0013282, OMIM 613490.

Allele frequency attached by ClinVar (database versions not stated): 1000 Genomes Project 30x 0.45737; 1000 Genomes Project 0.46506; gnomAD 0.47426 and 0.47855; TOPMed 0.47877; gnomAD exomes 0.59302.
gnomAD v4.1: 73,032 of 152,084 alleles (48%); highest among the groups gnomAD compares: East Asian, 68%; 19,343 homozygotes.

Submissions (2):

Illumina Laboratory Services, Illumina
Classification: Benign for Alpha-1-antitrypsin deficiency. Last evaluated: 2018-01-13. Review status: criteria provided, single submitter. Criteria: ICSL Variant Classification Criteria 13 December 2019. Collection method: clinical testing. Allele origin: germline.
Comment: This variant was observed in the ICSL laboratory as part of a predisposition screen in an ostensibly healthy population. It had not been previously curated by ICSL or reported in the Human Gene Mutation Database (HGMD: prior to June 1st, 2018), and was therefore a candidate for classification through an automated scoring system. Utilizing variant allele frequency, disease prevalence and penetrance estimates, and inheritance mode, an automated score was calculated to assess if this variant is too frequent to cause the disease. Based on the score and internal cut-off values, a variant classified as benign is not then subjected to further curation. The score for this variant resulted in a classification of benign for this disease.

Breakthrough Genomics
Classification: Benign. Review status: criteria provided, single submitter. Criteria: ACMG Guidelines, 2015. Collection method: not provided. Allele origin: germline. Inheritance: Autosomal recessive inheritance. Affected: yes.

NM_000295.5(SERPINA1):c.*854T>C

Gene: SERPINA1 (serpin family A member 1; minus strand). Cytogenetic location: 14q32.13.
Variant type: single nucleotide variant.
Coding change: c.*854T>C on transcript NM_000295.5 (MANE Select); 854 bases downstream of the stop codon, T replaced by C.
Molecular consequence: 3 prime UTR variant.
Genome position (GRCh38, 1-based): chr14:94,377,595, A>G on the plus strand (T>C on the coding strand, the complement: SERPINA1 is on the minus strand). VCF-style: chr14-94377595-A-G. GRCh37 (hg19) VCF-style: chr14-94843932-A-G.
Other names: c.*854T>C (NM_001002235.3, NM_001002236.3, NM_001127700.2 and 7 more transcripts).
Identifiers: ClinVar variation 315009 (VCV000315009.6), dbSNP rs1051052, ClinGen allele CA10635584.